The following is an entry in ClinVar:

NM_001329998.2(TRANK1):c.7569G>C (p.Arg2523=)

Gene: TRANK1 (tetratricopeptide repeat and ankyrin repeat containing 1; minus strand). Cytogenetic location: 3p22.2.
Variant type: single nucleotide variant.
Coding change: c.7569G>C on transcript NM_001329998.2 (MANE Select); coding-DNA position 7569, G replaced by C.
Protein change: p.Arg2523=; no amino-acid change (arginine 2523 retained).
Molecular consequence: synonymous variant.
Genome position (GRCh38, 1-based): chr3:36,832,014, C>G on the plus strand (G>C on the coding strand, the complement: TRANK1 is on the minus strand). VCF-style: chr3-36832014-C-G. GRCh37 (hg19) VCF-style: chr3-36873505-C-G.
Other names: c.7437G>C, p.Arg2479= (NM_014831.3).
Identifiers: ClinVar variation 2653656 (VCV002653656.24), dbSNP rs368543909, ClinGen allele CA2306140.
Genomic context (GRCh38, chr3:36,832,014, plus strand): 5'-GACGTTGAAGTTCACATTCTCATAGCCACATAGCACCTTGGCGAGGTAGGAGAGATGGAA[C>G]CGGAAATCCTGAATGGCTCTTGTCACGTCCTTGGGTTTGTATTCCTGAATGATGGAGAAC-3'
Protein context (NP_001316927.1, residues 2513-2533): KDVTRAIQDF[Arg2523=]FHLSYLAKVL

ClinVar aggregate classification (germline): Likely benign (1 of 4 stars; one submission).

Allele frequency attached by ClinVar (database versions not stated): ExAC 0.00007; ESP Exome Variant Server 0.00032.
gnomAD v4.1: 89 of 1,613,874 alleles (0.0055%); highest among the groups gnomAD compares: African/African-American, 0.093%; 1 homozygote.

Submission:

CeGaT Center for Human Genetics Tuebingen
Classification: Likely benign. Last evaluated: 2023-04-01. Review status: criteria provided, single submitter. Criteria: CeGaT Center For Human Genetics Tuebingen Variant Classification Criteria Version 2. Collection method: clinical testing. Allele origin: germline. Affected: yes. Observed: 1 variant allele.
Comment: TRANK1: BP4, BP7